The following is an entry in ClinVar:

ClinVar aggregate classification (germline): Pathogenic (1 of 4 stars; one submission).

Conditions:
Glycogen storage disease, type II (IOPD). Also called: ACID ALPHA-GLUCOSIDASE DEFICIENCY, INFANTILE-ONSET; GAA DEFICIENCY, INFANTILE-ONSET; ACID MALTASE DEFICIENCY, INFANTILE-ONSET; GLYCOGENOSIS, GENERALIZED, CARDIAC FORM; GSD II; Glycogen storage disease type 2. Identifiers: Orphanet 365, MedGen C0017921, MONDO:0009290, OMIM 232300.

Submission:

Labcorp Genetics (formerly Invitae), Labcorp
Classification: Pathogenic for Glycogen storage disease, type II. Last evaluated: 2023-12-30. Review status: criteria provided, single submitter. Criteria: Invitae Variant Classification Sherloc (09022015). Collection method: clinical testing. Allele origin: germline.
Comment: This sequence change creates a premature translational stop signal (p.Trp330Argfs*172) in the GAA gene. It is expected to result in an absent or disrupted protein product. Loss-of-function variants in GAA are known to be pathogenic (PMID: 18425781, 22252923). This variant is not present in population databases (gnomAD no frequency). This variant has not been reported in the literature in individuals affected with GAA-related conditions. For these reasons, this variant has been classified as Pathogenic.

Literature cited by the submitters: PubMed 18425781; PubMed 22252923.

NM_000152.5(GAA):c.988_998del (p.Trp330fs)

Gene: GAA (alpha glucosidase; plus strand). Cytogenetic location: 17q25.3.
Variant type: Deletion.
Coding change: c.988_998del on transcript NM_000152.5 (MANE Select); coding-DNA positions 988 to 998, 11 bases deleted (TGGAGGTCGAC).
Protein change: p.Trp330fs; shifts the reading frame from tryptophan 330.
Molecular consequence: frameshift variant.
Genome position (GRCh38, 1-based): chr17:80,108,322-80,108,332, TGGAGGTCGAC deleted; deleting any 11 consecutive bases within chr17:80,108,321-80,108,332 gives the same sequence; the c. name uses the placement nearest the transcript's 3' end. VCF-style (leftmost placement, unchanged base first): chr17-80108320-GCTGGAGGTCGA-G. GRCh37 (hg19) VCF-style: chr17-78082119-GCTGGAGGTCGA-G.
Other names: c.988_998del, p.Trp330fs (NM_001079803.3, NM_001079804.3, NM_001406741.1 and 1 more transcripts); short protein forms W330fs.
Identifiers: ClinVar variation 2706410 (VCV002706410.3), dbSNP rs2510362015, ClinGen allele CA2697555243.
Genomic context (GRCh38, chr17:80,108,320, plus strand): 5'-CCCCCAACCCCAGAGCTGCTTCCCTTCCAGATGTGGTCCTGCAGCCGAGCCCTGCCCTTA[GCTGGAGGTCGA>G]CAGGTGGGATCCTGGATGTCTACATCTTCCTGGGCCCAGAGCCCAAGAGCGTGGTGCAGC-3'